The following is an entry in ClinVar:

ClinVar aggregate classification (germline): Conflicting classifications of pathogenicity. Review status: criteria provided, conflicting classifications (1 of 4 stars). 14 submissions from 14 submitters: Uncertain significance (11); Likely benign (2). 1 of the submissions does not count toward it. Last evaluated 2026-04-09.

Conditions:
TSC2-related disorder. Also called: TSC2-Related Disorders; TSC2-related condition.
Tuberous sclerosis 2 (TSC2). Identifiers: Orphanet 805, MedGen C1860707, MONDO:0013199, OMIM 613254.
Lymphangiomyomatosis (LAM). Also called: Lymphangioleiomyomatosis; Lymphangioleiomyomatosis, somatic. Identifiers: Orphanet 538, MedGen C0751674, MONDO:0011705, OMIM 606690.
Isolated focal cortical dysplasia type II (FCORD2). Also called: Focal cortical dysplasia type II; CORTICAL DYSPLASIA OF TAYLOR. Identifiers: Orphanet 268994, MedGen C1846385, MONDO:0011818, OMIM 607341, HP:0032051.
Hereditary cancer-predisposing syndrome. Also called: Hereditary Cancer Syndrome; Neoplastic Syndromes, Hereditary; Tumor predisposition; Hereditary neoplastic syndrome. Identifiers: Orphanet 140162, MedGen C0027672, MeSH D009386, MONDO:0015356.
Tuberous sclerosis syndrome (TSC). Also called: Tuberous sclerosis; Tuberous Sclerosis Complex. Identifiers: Orphanet 805, MedGen C0041341, MONDO:0001734.

Allele frequency attached by ClinVar (database versions not stated): TOPMed 0.00001; gnomAD 0.00003.
gnomAD v4.1: 18 of 1,612,844 alleles (0.0011%); highest among the groups gnomAD compares: South Asian, 0.0022%; no homozygotes.

Submissions (14):

PreventionGenetics, part of Exact Sciences
Classification: Uncertain significance for TSC2-related condition. Last evaluated: 2026-04-09. Review status: criteria provided, single submitter. Criteria: ACMG Guidelines, 2015. Collection method: clinical testing. Allele origin: germline.
Comment: The TSC2 c.3145G>A variant is predicted to result in the amino acid substitution p.Glu1049Lys. This variant has been reported in an individual with a prenatal diagnosis of cardiac rhabdomyoma via fetal ultrasound and subsequent diagnosis of suspected tuberous sclerosis; however, pathogenicity for the variant was not established (Milunsky et al. 2009. PubMed ID: 19254590). This variant is reported in 0.0065% of alleles in individuals of European (non-Finnish) descent in gnomAD and has conflicting interpretations in ClinVar, raning from uncertain to likely benign (Variation ID: 207741). At this time, the clinical significance of this variant is uncertain due to the absence of conclusive functional and genetic evidence.

Labcorp Genetics (formerly Invitae), Labcorp
Classification: Likely benign for Tuberous sclerosis 2. Last evaluated: 2026-01-27. Review status: criteria provided, single submitter. Criteria: Invitae Variant Classification Sherloc (09022015). Collection method: clinical testing. Allele origin: germline.

Women's Health and Genetics/Laboratory Corporation of America, LabCorp
Classification: Uncertain significance. Last evaluated: 2025-11-04. Review status: criteria provided, single submitter. Criteria: LabCorp Variant Classification Summary - May 2015. Collection method: clinical testing. Allele origin: germline.
Comment: Variant summary: TSC2 c.3145G>A (p.Glu1049Lys) results in a conservative amino acid change in the encoded protein sequence. Algorithms developed to predict the effect of missense changes on protein structure and function are either unavailable or do not agree on the potential impact of this missense change. The variant allele was found at a frequency of 1.1e-05 in 1612844 control chromosomes (gnomAD v4). This frequency is not significantly higher than estimated for disease-causing variants in TSC2, allowing no conclusion about variant significance. c.3145G>A has been observed in one individual with prenatal molecular diagnosis of tuberous sclerosis complex (Milunsky_2009). The report does not provide unequivocal conclusions about association of the variant with Tuberous Sclerosis Complex. To our knowledge, no experimental evidence demonstrating an impact on protein function has been reported. The following publications have been ascertained in the context of this evaluation (PMID: 19254590, 30476936). ClinVar contains an entry for this variant (Variation ID: 207741). Based on the evidence outlined above, the variant was classified as uncertain significance.

GeneDx
Classification: Uncertain significance. Last evaluated: 2025-02-05. Review status: criteria provided, single submitter. Criteria: GeneDx Variant Classification Process June 2021. Collection method: clinical testing. Allele origin: germline. Affected: yes.
Comment: In silico analysis supports that this missense variant has a deleterious effect on protein structure/function; Observed in a patient with cardiac rhabdomyoma; however, no other features of TSC were noted in the patient (PMID: 19254590); This variant is associated with the following publications: (PMID: 22558107, 34426522, 37800821, 19254590, 30476936)

Color Diagnostics, LLC DBA Color Health
Classification: Uncertain significance for Tuberous sclerosis syndrome. Last evaluated: 2024-10-07. Review status: criteria provided, single submitter. Criteria: ACMG Guidelines, 2015. Collection method: clinical testing. Allele origin: germline.
Comment: This missense variant replaces glutamic acid with lysine at codon 1049 of the TSC2 protein. Computational prediction suggests that this variant may have deleterious impact on protein structure and function. To our knowledge, functional studies have not been reported for this variant. This variant has been reported in an infant with a diagnosis of cardiac rhabdomyoma via fetal ultrasound and confirmed at birth that underwent prenatal genetic testing for tuberous sclerosis complex (PMID: 19254590). The infant had no other features of tuberous sclerosis complex and there was no known family history. This variant has been identified in 1/31354 chromosomes in the general population by the Genome Aggregation Database (gnomAD). The available evidence is insufficient to determine the role of this variant in disease conclusively. Therefore, this variant is classified as a Variant of Uncertain Significance.

All of Us Research Program, National Institutes of Health
Classification: Uncertain significance for Tuberous sclerosis syndrome. Last evaluated: 2024-08-31. Review status: criteria provided, single submitter. Criteria: ACMG Guidelines, 2015. Collection method: clinical testing. Allele origin: germline. Inheritance: Autosomal dominant inheritance. Observed: 7 variant alleles, 7 heterozygotes.
Comment: This missense variant replaces glutamic acid with lysine at codon 1049 of the TSC2 protein. Computational prediction suggests that this variant may have deleterious impact on protein structure and function (internally defined REVEL score threshold >= 0.7, PMID: 27666373). To our knowledge, functional studies have not been reported for this variant. This variant has been reported in an infant with a diagnosis of cardiac rhabdomyoma via fetal ultrasound and confirmed at birth that underwent prenatal genetic testing for tuberous sclerosis complex (PMID: 19254590). The infant had no other features of tuberous sclerosis complex and there was no known family history. This variant has been identified in 1/31354 chromosomes in the general population by the Genome Aggregation Database (gnomAD). The available evidence is insufficient to determine the role of this variant in disease conclusively. Therefore, this variant is classified as a Variant of Uncertain Significance.

This study involves interpretation of variants in research participants for the purpose of population health screening. Participant phenotype was not available at the time of variant classification. Additional details can be found in publication PMID: 35346344, PMCID: PMC8962531

Fulgent Genetics
Classification: Uncertain significance for Lymphangiomyomatosis; Isolated focal cortical dysplasia type II; Tuberous sclerosis 2. Last evaluated: 2024-04-07. Review status: criteria provided, single submitter. Criteria: ACMG Guidelines, 2015. Collection method: clinical testing. Allele origin: germline.

ARUP Laboratories, Molecular Genetics and Genomics, ARUP Laboratories
Classification: Uncertain significance. Last evaluated: 2024-03-29. Review status: criteria provided, single submitter. Criteria: ARUP Molecular Germline Variant Investigation Process 2024. Collection method: clinical testing. Allele origin: germline.
Comment: The TSC2 c.3145G>A; p.Glu1049Lys variant (rs796053492) is reported in the literature in a fetus with prenatal tuberous sclerosis features (Milunsky 2009). This variant is also reported in ClinVar (Variation ID: 207741), but is only observed on one allele in the Genome Aggregation Database (v2.1.1). Computational analyses predict that this variant is deleterious (REVEL: 0.931). Due to limited information, the clinical significance of this variant is uncertain at this time. References: Milunsky A et al. Prenatal molecular diagnosis of tuberous sclerosis complex. Am J Obstet Gynecol. 2009 Mar;200(3):321.e1-6. PMID: 19254590.

Baylor Genetics
Classification: Uncertain significance for Isolated focal cortical dysplasia type II. Last evaluated: 2023-08-15. Review status: criteria provided, single submitter. Criteria: ACMG Guidelines, 2015. Collection method: clinical testing. Allele origin: unknown.

Ambry Genetics
Classification: Likely benign for Hereditary cancer-predisposing syndrome. Last evaluated: 2022-12-29. Review status: criteria provided, single submitter. Criteria: Ambry Variant Classification Scheme 2023. Collection method: clinical testing. Allele origin: germline.

Genome-Nilou Lab
Classification: Uncertain significance for Tuberous sclerosis 2. Last evaluated: 2021-11-07. Review status: criteria provided, single submitter. Criteria: ACMG Guidelines, 2015. Collection method: clinical testing. Allele origin: germline. Affected: no.

Institute for Clinical Genetics, University Hospital TU Dresden, University Hospital TU Dresden
Classification: Uncertain significance. Last evaluated: 2021-11-03. Review status: criteria provided, single submitter. Criteria: ACMG Guidelines, 2015. Collection method: clinical testing. Allele origin: germline.

Laboratory for Molecular Medicine, Mass General Brigham Personalized Medicine
Classification: Uncertain significance. Last evaluated: 2016-03-28. Review status: criteria provided, single submitter. Criteria: LMM Criteria. Collection method: clinical testing. Allele origin: germline.
Comment: Variant identified in a genome or exome case(s) and assessed due to predicted null impact of the variant or pathogenic assertions in the literature or databases. Disclaimer: This variant has not undergone full assessment. The following are preliminary notes: Absent from ExAC. Detected in control and affected groups in autism study. Also published in study of pregnant women at risk for having child with TSC. No other pubs found.

Gharavi Laboratory, Columbia University
Classification: Uncertain significance. Last evaluated: 2018-09-16. Review status: no assertion criteria provided. Criteria: ACMG Guidelines, 2015. Collection method: research. Allele origin: germline. Affected: no. Not counted in ClinVar's aggregate classification.

Literature cited by the submitters: PubMed 19254590 (cited by 4 submitters); PubMed 30476936 (cited by Women's Health and Genetics/Laboratory Corporation of America, LabCorp).

NM_000548.5(TSC2):c.3145G>A (p.Glu1049Lys)

Gene: TSC2 (TSC complex subunit 2; plus strand). Cytogenetic location: 16p13.3.
Variant type: single nucleotide variant.
Coding change: c.3145G>A on transcript NM_000548.5 (MANE Select); coding-DNA position 3145, G replaced by A.
Protein change: p.Glu1049Lys; replaces glutamic acid 1049 with lysine.
Molecular consequence: missense variant.
Genome position (GRCh38, 1-based): chr16:2,079,289, G>A. VCF-style: chr16-2079289-G-A. GRCh37 (hg19) VCF-style: chr16-2129290-G-A.
Other names: p.E1049K:GAG>AAG; c.3145G>A (NM_000548.4); c.3013G>A, p.Glu1005Lys (NM_001077183.3, NM_001370404.1); c.3145G>A, p.Glu1049Lys (NM_001114382.3); c.2905G>A, p.Glu969Lys (NM_001318827.2); c.2869G>A, p.Glu957Lys (NM_001318829.2); c.2413G>A, p.Glu805Lys (NM_001318831.2); c.3046G>A, p.Glu1016Lys (NM_001318832.2); and 1 more; short protein forms E1049K, E1005K, E1006K, E805K, E1016K, E969K, E957K.
Identifiers: ClinVar variation 207741 (VCV000207741.39), dbSNP rs796053492, ClinGen allele CA319501.